The following is an entry in ClinVar:

ClinVar aggregate classification (germline): Uncertain significance (0 of 4 stars; one submission).

Conditions:
Prostate cancer. Also called: Malignant tumor of prostate. Identifiers: Orphanet 1331, MedGen C0376358, MONDO:0008315, HP:0012125.

Allele frequency attached by ClinVar (database versions not stated): TOPMed 0.00001; 1000 Genomes Project 30x 0.00016.

Submission:

Science for Life laboratory,  Karolinska Institutet
Classification: Uncertain significance for Malignant tumor of prostate. Review status: no assertion criteria provided. Collection method: not provided. Allele origin: somatic.
Comment: TumorID:SWE-8
ClinVar note: Converted during submission from Unknown to Uncertain significance.

NM_031935.3(HMCN1):c.16792C>T (p.Arg5598Ter)

Gene: HMCN1 (hemicentin 1; plus strand). Cytogenetic location: 1q31.1.
Variant type: single nucleotide variant.
Coding change: c.16792C>T on transcript NM_031935.3 (MANE Select); coding-DNA position 16792, C replaced by T.
Protein change: p.Arg5598Ter; replaces arginine 5598 with a stop codon.
Molecular consequence: nonsense.
Genome position (GRCh38, 1-based): chr1:186,189,762, C>T. VCF-style: chr1-186189762-C-T. GRCh37 (hg19) VCF-style: chr1-186158894-C-T.
Other names: short protein forms R5598*.
Identifiers: ClinVar variation 161780 (VCV000161780.2), dbSNP rs193921043, ClinGen allele CA174771.